The following is an entry in ClinVar:

NM_000312.4(PROC):c.127G>A (p.Ala43Thr)

Gene: PROC (protein C, inactivator of coagulation factors Va and VIIIa; plus strand). Cytogenetic location: 2q14.3.
Variant type: single nucleotide variant.
Coding change: c.127G>A on transcript NM_000312.4 (MANE Select); coding-DNA position 127, G replaced by A.
Protein change: p.Ala43Thr; replaces alanine 43 with threonine.
Molecular consequence: missense variant.
Genome position (GRCh38, 1-based): chr2:127,421,339, G>A. VCF-style: chr2-127421339-G-A. GRCh37 (hg19) VCF-style: chr2-128178915-G-A.
Other names: p.Ala43Thr; c.127G>A (NM_000312.3); c.310G>A, p.Ala104Thr (NM_001375602.1); c.190G>A, p.Ala64Thr (NM_001375603.1, NM_001375604.1, NM_001375606.1); c.127G>A, p.Ala43Thr (NM_001375605.1, NM_001375608.1, NM_001375611.1 and 1 more transcripts); c.211G>A, p.Ala71Thr (NM_001375607.1); c.103G>A, p.Ala35Thr (NM_001375609.1); c.121G>A, p.Ala41Thr (NM_001375610.1); short protein forms A104T, A35T, A41T, A43T, A64T, A71T.
Identifiers: ClinVar variation 1330289 (VCV001330289.7), dbSNP rs767626189, ClinGen allele CA1859246.

ClinVar aggregate classification (germline): Conflicting classifications of pathogenicity. Review status: criteria provided, conflicting classifications (1 of 4 stars). 6 submissions from 6 submitters: Likely pathogenic (1); Uncertain significance (5). Last evaluated 2024-12-19.

Conditions:
PROC-related disorder. Also called: PROC-related condition.
Thrombophilia due to protein C deficiency, autosomal dominant. Also called: PROC DEFICIENCY, AUTOSOMAL DOMINANT; PROTEIN C DEFICIENCY, AUTOSOMAL DOMINANT. Identifiers: Orphanet 745, MedGen C2674321, MONDO:0008316, OMIM 176860. Disease mechanism: loss of function.

Allele frequency attached by ClinVar (database versions not stated): gnomAD 0.00004; TOPMed 0.00004; ExAC 0.00007; gnomAD exomes 0.00007.

Submissions (6):

Labcorp Genetics (formerly Invitae), Labcorp
Classification: Uncertain significance for Thrombophilia due to protein C deficiency, autosomal dominant. Last evaluated: 2024-12-19. Review status: criteria provided, single submitter. Criteria: Invitae Variant Classification Sherloc (09022015). Collection method: clinical testing. Allele origin: germline.
Comment: This sequence change replaces alanine, which is neutral and non-polar, with threonine, which is neutral and polar, at codon 43 of the PROC protein (p.Ala43Thr). This variant is present in population databases (rs767626189, gnomAD 0.01%). This missense change has been observed in individual(s) with clinical features of protein C deficiency disease (PMID: 11053623, 31254973, 32717757). ClinVar contains an entry for this variant (Variation ID: 1330289). An algorithm developed to predict the effect of missense changes on protein structure and function (PolyPhen-2) suggests that this variant is likely to be disruptive. In summary, the available evidence is currently insufficient to determine the role of this variant in disease. Therefore, it has been classified as a Variant of Uncertain Significance.

Institute of Human Genetics, University of Leipzig Medical Center
Classification: Uncertain significance for Thrombophilia due to protein C deficiency, autosomal dominant. Last evaluated: 2024-06-27. Review status: criteria provided, single submitter. Criteria: ACMG Guidelines, 2015. Collection method: clinical testing. Allele origin: unknown. Inheritance: Autosomal dominant inheritance. Affected: yes.
Comment: Criteria applied: PS4_MOD,PP3

Women's Health and Genetics/Laboratory Corporation of America, LabCorp
Classification: Uncertain significance. Last evaluated: 2024-05-29. Review status: criteria provided, single submitter. Criteria: LabCorp Variant Classification Summary - May 2015. Collection method: clinical testing. Allele origin: germline.
Comment: Variant summary: PROC c.127G>A (p.Ala43Thr) results in a non-conservative amino acid change in the encoded protein sequence. Five of five in-silico tools predict a damaging effect of the variant on protein function. The variant allele was found at a frequency of 7.2e-05 in 251124 control chromosomes (gnomAD). This frequency is not significantly higher than estimated for a pathogenic variant in PROC causing Thrombophilia Due To Protein C Deficiency, Autosomal Dominant, allowing no conclusion about variant significance. c.127G>A has been reported in the literature in individuals affected with Thrombophilia Due To Protein C Deficiency, Autosomal Dominant (Dodojacek_2000, Martos_2019, Seidel_2020). These data indicate that the variant may be associated with disease. To our knowledge, no experimental evidence demonstrating an impact on protein function has been reported. The following publications have been ascertained in the context of this evaluation (PMID: 11053623, 31254973, 32309994). ClinVar contains an entry for this variant (Variation ID: 1330289). Based on the evidence outlined above, the variant was classified as VUS-possibly pathogenic.

Mayo Clinic Laboratories, Mayo Clinic
Classification: Uncertain significance. Last evaluated: 2024-04-22. Review status: criteria provided, single submitter. Criteria: ACMG Guidelines, 2015. Collection method: clinical testing. Allele origin: germline. Observed: 1 variant allele.
Comment: PP1, PP3, PM1_supporting, PM2_moderate, PS4_supporting

PreventionGenetics, part of Exact Sciences
Classification: Uncertain significance for PROC-related condition. Last evaluated: 2023-04-11. Review status: criteria provided, single submitter. Criteria: ACMG Guidelines, 2015. Collection method: clinical testing. Allele origin: germline.
Comment: The PROC c.127G>A variant is predicted to result in the amino acid substitution p.Ala43Thr. This variant has been reported in the heterozygous state in individuals with type II protein C deficiency and thromboembolic events, however it was also reported in family members who did not have thromboembolic events (Referred to as Ala+t to Thr and G1390 to A, Dodojacek et al. 2000. PubMed ID: 11053623; Table S2, Martos et al. 2019. PubMed ID: 31254973; Table S2, Alhenc-Gelas et al. 2020. PubMed ID: 32717757; Seidel et al. 2020. PubMed ID: 32309994). Of note, one individual noted above also carried the factor V Leiden variant (Seidel et al. 2020. PubMed ID: 32309994). This variant is reported in 0.015% of alleles in individuals of European (Non-Finnish) descent in gnomAD. Although we suspect that this variant may be pathogenic, at this time, the clinical significance of this variant is uncertain due to the absence of conclusive functional and genetic evidence.

MVZ Martinsried, Medicover Genetics
Classification: Likely pathogenic for Thrombophilia due to protein C deficiency, autosomal dominant. Last evaluated: 2021-12-10. Review status: criteria provided, single submitter. Criteria: ACGS Guidelines, 2020. Collection method: clinical testing. Allele origin: unknown. Affected: yes.

Literature cited by the submitters: PubMed 11053623 (cited by 3 submitters); PubMed 31254973 (cited by 3 submitters); PubMed 32717757 (cited by Labcorp Genetics (formerly Invitae), Labcorp and Mayo Clinic Laboratories, Mayo Clinic); PubMed 32309994 (cited by Women's Health and Genetics/Laboratory Corporation of America, LabCorp and Mayo Clinic Laboratories, Mayo Clinic).